The following is an entry in ClinVar:

ClinVar aggregate classification (germline): Uncertain significance (1 of 4 stars; one submission).

Allele frequency attached by ClinVar (database versions not stated): gnomAD exomes below 0.00001.
gnomAD v4.1: 3 of 1,613,936 alleles (0.00019%); highest among the groups gnomAD compares: Admixed American, 0.0017%; no homozygotes.

Submission:

Labcorp Genetics (formerly Invitae), Labcorp
Classification: Uncertain significance. Last evaluated: 2023-08-10. Review status: criteria provided, single submitter. Criteria: Invitae Variant Classification Sherloc (09022015). Collection method: clinical testing. Allele origin: germline.
Comment: In summary, the available evidence is currently insufficient to determine the role of this variant in disease. Therefore, it has been classified as a Variant of Uncertain Significance. Advanced modeling of protein sequence and biophysical properties (such as structural, functional, and spatial information, amino acid conservation, physicochemical variation, residue mobility, and thermodynamic stability) performed at Invitae indicates that this missense variant is not expected to disrupt LRP2 protein function. ClinVar contains an entry for this variant (Variation ID: 1450761). This variant has not been reported in the literature in individuals affected with LRP2-related conditions. This variant is present in population databases (no rsID available, gnomAD 0.003%). This sequence change replaces proline, which is neutral and non-polar, with serine, which is neutral and polar, at codon 4470 of the LRP2 protein (p.Pro4470Ser).

NM_004525.3(LRP2):c.13408C>T (p.Pro4470Ser)

Gene: LRP2 (LDL receptor related protein 2; minus strand). Cytogenetic location: 2q31.1.
Variant type: single nucleotide variant.
Coding change: c.13408C>T on transcript NM_004525.3 (MANE Select); coding-DNA position 13408, C replaced by T.
Protein change: p.Pro4470Ser; replaces proline 4470 with serine.
Molecular consequence: missense variant.
Genome position (GRCh38, 1-based): chr2:169,138,687, G>A on the plus strand (C>T on the coding strand, the complement: LRP2 is on the minus strand). VCF-style: chr2-169138687-G-A. GRCh37 (hg19) VCF-style: chr2-169995197-G-A.
Other names: short protein forms P4470S.
Identifiers: ClinVar variation 1450761 (VCV001450761.4), dbSNP rs923567865, ClinGen allele CA59913581.